The following is an entry in ClinVar:

ClinVar aggregate classification (germline): Conflicting classifications of pathogenicity. Review status: criteria provided, conflicting classifications (1 of 4 stars). 3 submissions from 3 submitters: Likely pathogenic (2); Uncertain significance (1). Last evaluated 2026-01-02.

Conditions:
Acyl-CoA dehydrogenase 9 deficiency. Also called: Acyl-CoA dehydrogenase family, member 9, deficiency of; MITOCHONDRIAL COMPLEX I DEFICIENCY, NUCLEAR TYPE 20. Identifiers: Orphanet 99901, MedGen C4747517, MONDO:0012624, OMIM 611126.

Submissions (3):

Women's Health and Genetics/Laboratory Corporation of America, LabCorp
Classification: Uncertain significance. Last evaluated: 2026-01-02. Review status: criteria provided, single submitter. Criteria: LabCorp Variant Classification Summary - May 2015. Collection method: clinical testing. Allele origin: germline.
Comment: Variant summary: ACAD9 c.1169C>T (p.Ala390Val) results in a non-conservative amino acid change in the encoded protein sequence. Algorithms developed to predict the effect of missense changes on protein structure and function all suggest that this variant is likely to be disruptive. The variant was absent in 251318 control chromosomes. c.1169C>T has been observed in at least one individual affected with clinical features of Nuclear type 20 mitochondrial complex I deficiency (Lunke_2023, Ball_2025). These data do not allow any conclusion about variant significance. A different variant affecting the same codon has been classified as likely pathogenic/pathogenic (c.1168G>A, p.A390T), supporting the critical relevance of codon 390 to ACAD protein function. To our knowledge, no experimental evidence demonstrating an impact on protein function has been reported. The following publications have been ascertained in the context of this evaluation (PMID: 39417332, 37291213). ClinVar contains an entry for this variant (Variation ID: 2500741). Based on the evidence outlined above, the variant was classified as VUS-possibly pathogenic.

Natera, Inc.
Classification: Likely pathogenic for ACAD9 deficiency. Last evaluated: 2025-12-08. Review status: criteria provided, single submitter. Criteria: Natera Variant Classification Schema (03/2026). Collection method: clinical testing. Allele origin: germline.
Comment: The c.1169C>T variant in ACAD9 is a missense variant predicted to cause substitution of alanine to valine at amino acid 390. This variant is rare in the general population with a frequency below the threshold expected for the associated phenotype(s). This variant has been observed in one or more individuals affected with the associated recessive disease, as either homozygous or compound heterozygous with a second variant (PMID: 39417332). A different variant at the same position has been determined to be Pathogenic or Likely Pathogenic. Given the available evidence, this variant is classified as Likely Pathogenic.

Victorian Clinical Genetics Services, Murdoch Childrens Research Institute
Classification: Likely pathogenic for Acyl-CoA dehydrogenase 9 deficiency. Last evaluated: 2022-02-02. Review status: criteria provided, single submitter. Criteria: ACMG Guidelines, 2015. Collection method: clinical testing. Allele origin: germline. Inheritance: Autosomal recessive inheritance. Affected: yes.
Comment: Based on the classification scheme VCGS_Germline_v1.3.4, this variant is classified as Likely pathogenic. Following criteria are met: 0102 - Loss of function is a known mechanism of disease in this gene and is associated with nuclear type 20 mitochondrial complex I deficiency (MIM#611126). (I) 0106 - This gene is associated with autosomal recessive disease. (I) 0200 - Variant is predicted to result in a missense amino acid change from alanine to valine. (I) 0251 - This variant is heterozygous. (I) 0301 - Variant is absent from gnomAD (both v2 and v3). (SP) 0309 - An alternative amino acid change at the same position has been observed in gnomAD (v2) (5 heterozygotes, 0 homozygotes). (I) 0502 - Missense variant with conflicting in silico predictions and uninformative conservation. (I) 0600 - Variant is located in the annotated acyl-CoA dehydrogenase, C-terminal domain (DECIPHER). (I) 0703 - Another missense variant comparable to the one identified in this case has moderate previous evidence for pathogenicity. p.(Ala390Thr) has been reported in 3 unrelated affected individuals (PMID: 28279569, 30025539), and as likely pathogenic once in ClinVar. (SP) 0807 - This variant has no previous evidence of pathogenicity. (I) 0905 - No published segregation evidence has been identified for this variant. (I) 1007 - No published functional evidence has been identified for this variant. (I) 1102 - Strong phenotype match for this individual. (SP) 1201 - Heterozygous variant detected in trans with a second pathogenic heterozygous variant (NM_014049.4:c.1185_1188delTGAG, p.(Ser395Argfs*43)) in a recessive disease. (I) Legend: (SP) - Supporting pathogenic, (I) - Information, (SB) - Supporting benign

Literature cited by the submitters: PubMed 37291213 (cited by Women's Health and Genetics/Laboratory Corporation of America, LabCorp); PubMed 39417332 (cited by Women's Health and Genetics/Laboratory Corporation of America, LabCorp and Natera, Inc.); PubMed 28279569 (cited by Victorian Clinical Genetics Services, Murdoch Childrens Research Institute); PubMed 30025539 (cited by Victorian Clinical Genetics Services, Murdoch Childrens Research Institute).

NM_014049.5(ACAD9):c.1169C>T (p.Ala390Val)

Gene: ACAD9 (acyl-CoA dehydrogenase family member 9; plus strand). Cytogenetic location: 3q21.3.
Variant type: single nucleotide variant.
Coding change: c.1169C>T on transcript NM_014049.5 (MANE Select); coding-DNA position 1169, C replaced by T.
Protein change: p.Ala390Val; replaces alanine 390 with valine.
Molecular consequence: missense variant. On other transcripts: non-coding transcript variant (1).
Genome position (GRCh38, 1-based): chr3:128,906,140, C>T. VCF-style: chr3-128906140-C-T. GRCh37 (hg19) VCF-style: chr3-128624983-C-T.
Other names: c.800C>T, p.Ala267Val (NM_001410805.1); short protein forms A267V, A390V.
Identifiers: ClinVar variation 2500741 (VCV002500741.4), dbSNP rs2529272943, ClinGen allele CA354437057.